The following is an entry in ClinVar:

ClinVar aggregate classification (germline): Uncertain significance (1 of 4 stars; one submission).

Submission:

Labcorp Genetics (formerly Invitae), Labcorp
Classification: Uncertain significance. Last evaluated: 2024-03-24. Review status: criteria provided, single submitter. Criteria: Invitae Variant Classification Sherloc (09022015). Collection method: clinical testing. Allele origin: germline.
Comment: This sequence change replaces lysine, which is basic and polar, with asparagine, which is neutral and polar, at codon 111 of the A2ML1 protein (p.Lys111Asn). This variant is not present in population databases (gnomAD no frequency). This variant has not been reported in the literature in individuals affected with A2ML1-related conditions. An algorithm developed to predict the effect of missense changes on protein structure and function (PolyPhen-2) suggests that this variant is likely to be disruptive. In summary, the available evidence is currently insufficient to determine the role of this variant in disease. Therefore, it has been classified as a Variant of Uncertain Significance.

NM_144670.6(A2ML1):c.333A>T (p.Lys111Asn)

Genes: A2ML1 (alpha-2-macroglobulin like 1; plus strand), A2ML1-AS1 (A2ML1 antisense RNA 1; minus strand). Cytogenetic location: 12p13.31.
Variant type: single nucleotide variant.
Coding change: c.333A>T on transcript NM_144670.6 (MANE Select); coding-DNA position 333, A replaced by T.
Protein change: p.Lys111Asn; replaces lysine 111 with asparagine.
Molecular consequence: missense variant.
Genome position (GRCh38, 1-based): chr12:8,823,806, A>T. VCF-style: chr12-8823806-A-T. GRCh37 (hg19) VCF-style: chr12-8976402-A-T.
Other names: short protein forms K111N.
Identifiers: ClinVar variation 3647433 (VCV003647433.2).